The following is an entry in ClinVar:

NM_001194998.2(CEP152):c.749_750del (p.Arg250fs)

Gene: CEP152 (centrosomal protein 152; minus strand). Cytogenetic location: 15q21.1.
Variant type: Microsatellite.
Coding change: c.749_750del on transcript NM_001194998.2 (MANE Select); coding-DNA positions 749 to 750, 2 bases deleted (GA; older notation c.749_750delGA).
Protein change: p.Arg250fs; shifts the reading frame from arginine 250.
Molecular consequence: frameshift variant.
Genome position (GRCh38, 1-based): chr15:48,793,403-48,793,404, TC deleted on the plus strand (GA on the coding strand, the reverse complement: CEP152 is on the minus strand); deleting any 2 consecutive bases within chr15:48,793,403-48,793,409 gives the same sequence; the c. name uses the placement nearest the transcript's 3' end. VCF-style (leftmost placement, unchanged base first): chr15-48793402-GTC-G. GRCh37 (hg19) VCF-style: chr15-49085599-GTC-G.
Other names: c.749_750del, p.Arg250fs (NM_014985.4); short protein forms R250fs.
Identifiers: ClinVar variation 2999378 (VCV002999378.3), dbSNP rs1897109421, ClinGen allele CA490052729.
Genomic context (GRCh38, chr15:48,793,402, plus strand): 5'-GATTCAGATATCGAATTTGACGTTCACTTTCATTTAACTTTTCAATTAAGTTCTCCAGTT[GTC>G]TCTCTTTTGCTTTGTTAAGAACCTGAAGTTGAATAATCTGCATATTTTCTGCAGAGTCTG-3'

ClinVar aggregate classification (germline): Pathogenic (1 of 4 stars; one submission).

Submission:

Labcorp Genetics (formerly Invitae), Labcorp
Classification: Pathogenic. Last evaluated: 2023-08-16. Review status: criteria provided, single submitter. Criteria: Invitae Variant Classification Sherloc (09022015). Collection method: clinical testing. Allele origin: germline.
Comment: This variant is not present in population databases (gnomAD no frequency). For these reasons, this variant has been classified as Pathogenic. This variant has not been reported in the literature in individuals affected with CEP152-related conditions. This sequence change creates a premature translational stop signal (p.Arg250Thrfs*7) in the CEP152 gene. It is expected to result in an absent or disrupted protein product. Loss-of-function variants in CEP152 are known to be pathogenic (PMID: 21131973).

Literature cited by the submitters: PubMed 21131973.